The following is an entry in ClinVar:

ClinVar aggregate classification (germline): Uncertain significance (1 of 4 stars; one submission).

Conditions:
Growth hormone insensitivity with immune dysregulation 1, autosomal recessive. Also called: Laron syndrome with immunodeficiency; GROWTH HORMONE INSENSITIVITY DUE TO POSTRECEPTOR DEFECT; LARON SYNDROME DUE TO POSTRECEPTOR DEFECT; GROWTH HORMONE INSENSITIVITY SYNDROME WITH IMMUNE DYSREGULATION 1, AUTOSOMAL RECESSIVE. Identifiers: Orphanet 220465, MedGen C5435698, MONDO:0100211, OMIM 245590.

Allele frequency attached by ClinVar (database versions not stated): gnomAD 0.00001; gnomAD exomes 0.00002 and 0.00005; TOPMed 0.00005; ExAC 0.00006.
gnomAD v4.1: 30 of 1,605,164 alleles (0.0019%); highest among the groups gnomAD compares: South Asian, 0.018%; 1 homozygote.

Submission:

Labcorp Genetics (formerly Invitae), Labcorp
Classification: Uncertain significance for Growth hormone insensitivity with immune dysregulation 1, autosomal recessive. Last evaluated: 2021-09-06. Review status: criteria provided, single submitter. Criteria: Invitae Variant Classification Sherloc (09022015). Collection method: clinical testing. Allele origin: germline.
Comment: This sequence change replaces valine with methionine at codon 227 of the STAT5B protein (p.Val227Met). The valine residue is moderately conserved and there is a small physicochemical difference between valine and methionine. The frequency data for this variant in the population databases is considered unreliable, as metrics indicate poor data quality at this position in the ExAC database. This variant has not been reported in the literature in individuals affected with STAT5B-related conditions. Algorithms developed to predict the effect of missense changes on protein structure and function (SIFT, PolyPhen-2, Align-GVGD) all suggest that this variant is likely to be tolerated. In summary, the available evidence is currently insufficient to determine the role of this variant in disease. Therefore, it has been classified as a Variant of Uncertain Significance.

NM_012448.4(STAT5B):c.679G>A (p.Val227Met)

Gene: STAT5B (signal transducer and activator of transcription 5B; minus strand). Cytogenetic location: 17q21.2.
Variant type: single nucleotide variant.
Coding change: c.679G>A on transcript NM_012448.4 (MANE Select); coding-DNA position 679, G replaced by A.
Protein change: p.Val227Met; replaces valine 227 with methionine.
Molecular consequence: missense variant.
Genome position (GRCh38, 1-based): chr17:42,219,714, C>T on the plus strand (G>A on the coding strand, the complement: STAT5B is on the minus strand). VCF-style: chr17-42219714-C-T. GRCh37 (hg19) VCF-style: chr17-40371732-C-T.
Other names: short protein forms V227M.
Identifiers: ClinVar variation 1444967 (VCV001444967.6), dbSNP rs761283639, ClinGen allele CA8574217.